The following is an entry in ClinVar:

NM_001083926.2(ASRGL1):c.491+3_491+6del

Gene: ASRGL1 (asparaginase and isoaspartyl peptidase 1; plus strand). Cytogenetic location: 11q12.3.
Variant type: Microsatellite.
Coding change: c.491+3_491+6del on transcript NM_001083926.2 (MANE Select); bases 3 to 6 of the intron after coding-DNA position 491, 4 bases deleted (AAGT; older notation c.491+3_491+6delAAGT).
Molecular consequence: splice donor variant.
Genome position (GRCh38, 1-based): chr11:62,357,147-62,357,150, AAGT deleted; deleting any 4 consecutive bases within chr11:62,357,143-62,357,150 gives the same sequence; the c. name uses the placement nearest the transcript's 3' end. VCF-style (leftmost placement, unchanged base first): chr11-62357142-AAAGT-A. GRCh37 (hg19) VCF-style: chr11-62124614-AAAGT-A.
Other names: c.491+3_491+6del (NM_025080.4).
Identifiers: ClinVar variation 941591 (VCV000941591.9), dbSNP rs776518240, ClinGen allele CA6043208.

ClinVar aggregate classification (germline): Uncertain significance (1 of 4 stars; one submission).

Submission:

Labcorp Genetics (formerly Invitae), Labcorp
Classification: Uncertain significance. Last evaluated: 2025-03-17. Review status: criteria provided, single submitter. Criteria: Invitae Variant Classification Sherloc (09022015). Collection method: clinical testing. Allele origin: germline.
Comment: This sequence change falls in intron 4 of the ASRGL1 gene. It does not directly change the encoded amino acid sequence of the ASRGL1 protein. It affects a nucleotide within the consensus splice site. This variant is present in population databases (rs776518240, gnomAD 0.02%). This variant has not been reported in the literature in individuals affected with ASRGL1-related conditions. ClinVar contains an entry for this variant (Variation ID: 941591). Variants that disrupt the consensus splice site are a relatively common cause of aberrant splicing (PMID: 17576681, 9536098). Algorithms developed to predict the effect of sequence changes on RNA splicing suggest that this variant may disrupt the consensus splice site. In summary, the available evidence is currently insufficient to determine the role of this variant in disease. Therefore, it has been classified as a Variant of Uncertain Significance.

Literature cited by the submitters: PubMed 17576681; PubMed 9536098.